The following is an entry in ClinVar:

NM_006846.4(SPINK5):c.1092+103C>A

Gene: SPINK5 (serine peptidase inhibitor Kazal type 5; plus strand). Cytogenetic location: 5q32.
Variant type: single nucleotide variant.
Coding change: c.1092+103C>A on transcript NM_006846.4 (MANE Select); 103 bases into the intron after coding-DNA position 1092, C replaced by A.
Molecular consequence: intron variant.
Genome position (GRCh38, 1-based): chr5:148,099,418, C>A. VCF-style: chr5-148099418-C-A. GRCh37 (hg19) VCF-style: chr5-147478981-C-A.
Other names: c.1092+103C>A (NM_001127698.2, NM_001127699.2).
Identifiers: ClinVar variation 1239546 (VCV001239546.5), dbSNP rs11168021, ClinGen allele CA15375947.

ClinVar aggregate classification (germline): Benign. Review status: criteria provided, multiple submitters, no conflicts (2 of 4 stars). 2 submissions from 2 submitters: Benign (2). Last evaluated 2024-01-24.

Allele frequency attached by ClinVar (database versions not stated): 1000 Genomes Project 30x 0.43036; 1000 Genomes Project 0.43271; gnomAD 0.44349 and 0.44826; TOPMed 0.44517; gnomAD exomes 0.51934.
gnomAD v4.1: 453,022 of 893,504 alleles (51%); highest among the groups gnomAD compares: Admixed American, 64%; 117,589 homozygotes.

Submissions (2):

Unidad de Genómica Garrahan, Hospital de Pediatría Garrahan
Classification: Benign. Last evaluated: 2024-01-24. Review status: criteria provided, single submitter. Criteria: ACMG Guidelines, 2015. Collection method: clinical testing. Allele origin: germline. Affected: no. Observed: 66 variant alleles.
Comment: This variant is classified as Benign based on local population frequency. This variant was detected in 75% of patients studied by a panel of primary immunodeficiencies. Number of patients: 66. Only high quality variants are reported.

GeneDx
Classification: Benign. Last evaluated: 2015-03-03. Review status: criteria provided, single submitter. Criteria: GeneDx Variant Classification Process June 2021. Collection method: clinical testing. Allele origin: germline. Affected: yes.